The following is an entry in ClinVar:

NM_019892.6(INPP5E):c.1697G>A (p.Gly566Asp)

Gene: INPP5E (inositol polyphosphate-5-phosphatase E; minus strand). Cytogenetic location: 9q34.3.
Variant type: single nucleotide variant.
Coding change: c.1697G>A on transcript NM_019892.6 (MANE Select); coding-DNA position 1697, G replaced by A.
Protein change: p.Gly566Asp; replaces glycine 566 with aspartic acid.
Molecular consequence: missense variant.
Genome position (GRCh38, 1-based): chr9:136,430,382, C>T on the plus strand (G>A on the coding strand, the complement: INPP5E is on the minus strand). VCF-style: chr9-136430382-C-T. GRCh37 (hg19) VCF-style: chr9-139324834-C-T.
Other names: c.1697G>A (NM_019892.5); c.1694G>A, p.Gly565Asp (NM_001318502.2); short protein forms G566D, G565D.
Identifiers: ClinVar variation 955622 (VCV000955622.14), dbSNP rs140543689, ClinGen allele CA5336679.
Genomic context (GRCh38, chr9:136,430,382, plus strand): 5'-GGGCGGTGGTCGGACGTCTTGATCCCGGGGCAGGAAGAGTAGCTCACAGGACAGATGTCA[C>T]CCTTGTGGCGGCTTCTGTACAAGACGCGGTCCTTTGGGAAGATTGCAGAGGCAGGAGGTC-3'
Protein context (NP_063945.2, residues 556-576): DRVLYRSRHK[Gly566Asp]DICPVSYSSC

ClinVar aggregate classification (germline): Likely benign. Review status: criteria provided, multiple submitters, no conflicts (2 of 4 stars). 5 submissions from 5 submitters: Likely benign (4). 1 of the submissions does not count toward it. Last evaluated 2025-08-08.

Conditions:
Inborn genetic diseases. Identifiers: MedGen C0950123, MeSH D030342.
Joubert syndrome. Also called: Familial aplasia of the vermis; JOUBERT-BOLTSHAUSER SYNDROME. Identifiers: Orphanet 475, MedGen C5979921, MONDO:0018772.
INPP5E-related disorder. Also called: INPP5E-related condition.
Joubert syndrome 1 (JBTS1). Also called: Cerebellooculorenal syndrome 1; CEREBELLOPARENCHYMAL DISORDER IV. Identifiers: MedGen C4551568, MONDO:0008944, OMIM 213300.
MORM syndrome (MORMS). Identifiers: Orphanet 75858, MedGen C1857802, MONDO:0012423, OMIM 610156.

Allele frequency attached by ClinVar (database versions not stated): gnomAD exomes 0.00002 and 0.00005; gnomAD 0.00013; ExAC 0.00014; 1000 Genomes Project 0.00020; ESP Exome Variant Server 0.00023; TOPMed 0.00028; 1000 Genomes Project 30x 0.00031.

Submissions (5):

Labcorp Genetics (formerly Invitae), Labcorp
Classification: Likely benign for Joubert syndrome. Last evaluated: 2025-08-08. Review status: criteria provided, single submitter. Criteria: Invitae Variant Classification Sherloc (09022015). Collection method: clinical testing. Allele origin: germline.

Fulgent Genetics
Classification: Likely benign for Joubert syndrome 1; MORM syndrome. Last evaluated: 2024-05-21. Review status: criteria provided, single submitter. Criteria: ACMG Guidelines, 2015. Collection method: clinical testing. Allele origin: germline.

Blueprint Genetics
Classification: Likely benign. Last evaluated: 2022-04-04. Review status: criteria provided, single submitter. Criteria: ACMG Guidelines, 2015. Collection method: clinical testing. Allele origin: germline.

Ambry Genetics
Classification: Likely benign for Inborn genetic diseases. Last evaluated: 2021-10-05. Review status: criteria provided, single submitter. Criteria: Ambry Variant Classification Scheme 2023. Collection method: clinical testing. Allele origin: germline.

PreventionGenetics, part of Exact Sciences
Classification: Uncertain significance for INPP5E-related condition. Last evaluated: 2024-08-20. Review status: no assertion criteria provided. Collection method: clinical testing. Allele origin: germline. Not counted in ClinVar's aggregate classification.
Comment: The INPP5E c.1697G>A variant is predicted to result in the amino acid substitution p.Gly566Asp. To our knowledge, this variant has not been reported in the literature. This variant is reported in 0.060% of alleles in individuals of African descent in gnomAD, which may be too common to be a primary cause of disease. Although we suspect that this variant may be benign, at this time, the clinical significance of this variant is uncertain due to the absence of conclusive functional and genetic evidence.